The following is an entry in ClinVar:

ClinVar aggregate classification (germline): Pathogenic. Review status: criteria provided, multiple submitters, no conflicts (2 of 4 stars). 5 submissions from 4 submitters: Pathogenic (5). Last evaluated 2025-05-16.

Conditions:
Hereditary spastic paraplegia 11. Also called: Spastic Paraplegia 11; SPASTIC PARAPLEGIA, AUTOSOMAL RECESSIVE, COMPLICATED, WITH THIN CORPUS CALLOSUM; SPASTIC PARAPLEGIA, AUTOSOMAL RECESSIVE, WITH MENTAL IMPAIRMENT AND THIN CORPUS CALLOSUM; Nakamura Osame syndrome; Autosomal recessive hereditary spastic paraplegia, mental impairment, and thin corpus callosum; Spastic paraplegia, mental retardation and thin corpus callosum. Identifiers: Orphanet 2822, MedGen C1858479, MONDO:0011445, OMIM 604360.
Amyotrophic lateral sclerosis type 5 (ALS5). Also called: AMYOTROPHIC LATERAL SCLEROSIS 5, JUVENILE. Identifiers: Orphanet 300605, MedGen C1865864, MONDO:0011196, OMIM 602099.

Allele frequency attached by ClinVar (database versions not stated): gnomAD 0.00001; ESP Exome Variant Server 0.00008.
gnomAD v4.1: 6 of 1,613,886 alleles (0.00037%); highest among the groups gnomAD compares: Non-Finnish European, 0.00051%; no homozygotes.

Submissions (5):

GeneDx
Classification: Pathogenic. Last evaluated: 2025-05-16. Review status: criteria provided, single submitter. Criteria: GeneDx Variant Classification Process June 2021. Collection method: clinical testing. Allele origin: germline. Affected: yes.
Comment: Nonsense variant predicted to result in protein truncation or nonsense mediated decay in a gene for which loss of function is a known mechanism of disease; Not observed at significant frequency in large population cohorts (gnomAD); This variant is associated with the following publications: (PMID: 27093186, 30363882)

Labcorp Genetics (formerly Invitae), Labcorp
Classification: Pathogenic for Hereditary spastic paraplegia 11. Last evaluated: 2024-09-10. Review status: criteria provided, single submitter. Criteria: Invitae Variant Classification Sherloc (09022015). Collection method: clinical testing. Allele origin: germline.
Comment: This sequence change creates a premature translational stop signal (p.Glu1630*) in the SPG11 gene. It is expected to result in an absent or disrupted protein product. Loss-of-function variants in SPG11 are known to be pathogenic (PMID: 19105190, 20110243, 22154821, 26556829). This variant is present in population databases (rs368276916, gnomAD 0.002%). This premature translational stop signal has been observed in individual(s) with clinical features of SPG11-related conditions (PMID: 30363882). ClinVar contains an entry for this variant (Variation ID: 561117). For these reasons, this variant has been classified as Pathogenic.

Baylor Genetics
Classification: Pathogenic for Amyotrophic lateral sclerosis type 5; Hereditary spastic paraplegia 11. Last evaluated: 2017-09-01. Review status: criteria provided, single submitter. Criteria: ACMG Guidelines, 2015. Collection method: clinical testing. Allele origin: maternal. Inheritance: Autosomal recessive inheritance. Affected: yes.

Genome-Nilou Lab
Classification: Pathogenic for Amyotrophic lateral sclerosis type 5. Review status: criteria provided, single submitter. Criteria: ACMG Guidelines, 2015. Collection method: clinical testing. Allele origin: germline.

Genome-Nilou Lab
Classification: Pathogenic for Hereditary spastic paraplegia 11. Review status: criteria provided, single submitter. Criteria: ACMG Guidelines, 2015. Collection method: clinical testing. Allele origin: germline.

Literature cited by the submitters: PubMed 19105190 (cited by Labcorp Genetics (formerly Invitae), Labcorp); PubMed 20110243 (cited by Labcorp Genetics (formerly Invitae), Labcorp); PubMed 22154821 (cited by Labcorp Genetics (formerly Invitae), Labcorp); PubMed 26556829 (cited by Labcorp Genetics (formerly Invitae), Labcorp); PubMed 30363882 (cited by Labcorp Genetics (formerly Invitae), Labcorp); PubMed 25326635 (cited by Baylor Genetics).

NM_025137.4(SPG11):c.4888G>T (p.Glu1630Ter)

Gene: SPG11 (SPG11 vesicle trafficking associated, spatacsin; minus strand). Cytogenetic location: 15q21.1.
Variant type: single nucleotide variant.
Coding change: c.4888G>T on transcript NM_025137.4 (MANE Select); coding-DNA position 4888, G replaced by T.
Protein change: p.Glu1630Ter; replaces glutamic acid 1630 with a stop codon.
Molecular consequence: nonsense.
Genome position (GRCh38, 1-based): chr15:44,589,270, C>A on the plus strand (G>T on the coding strand, the complement: SPG11 is on the minus strand). VCF-style: chr15-44589270-C-A. GRCh37 (hg19) VCF-style: chr15-44881468-C-A.
Other names: c.4888G>T, p.Glu1630Ter (NM_001160227.2); short protein forms E1630*.
Identifiers: ClinVar variation 561117 (VCV000561117.9), dbSNP rs368276916, ClinGen allele CA7534559.